The following is an entry in ClinVar:

ClinVar aggregate classification (germline): Uncertain significance. Review status: criteria provided, multiple submitters, no conflicts (2 of 4 stars). 2 submissions from 2 submitters: Uncertain significance (2). Last evaluated 2025-01-21.

Conditions:
RECQL5-related disorder. Also called: RECQL5-related condition.

Allele frequency attached by ClinVar (database versions not stated): gnomAD 0.00003; gnomAD exomes 0.00003; TOPMed 0.00003; ExAC 0.00004; 1000 Genomes Project 30x 0.00016; 1000 Genomes Project 0.00020.
gnomAD v4.1: 42 of 1,609,436 alleles (0.0026%); highest among the groups gnomAD compares: African/African-American, 0.0093%; no homozygotes.

Submissions (2):

Ambry Genetics
Classification: Uncertain significance. Last evaluated: 2025-01-21. Review status: criteria provided, single submitter. Criteria: Ambry Variant Classification Scheme 2023. Collection method: clinical testing. Allele origin: germline.

PreventionGenetics, part of Exact Sciences
Classification: Uncertain significance for RECQL5-related condition. Last evaluated: 2022-09-30. Review status: criteria provided, single submitter. Criteria: ACMG Guidelines, 2015. Collection method: clinical testing. Allele origin: germline.
Comment: The RECQL5 c.2161G>A variant is predicted to result in the amino acid substitution p.Ala721Thr. To our knowledge, this variant has not been reported in the literature. This variant is reported in 0.017% of alleles in individuals of African descent in gnomAD. At this time, the clinical significance of this variant is uncertain due to the absence of conclusive functional and genetic evidence.

NM_004259.7(RECQL5):c.2161G>A (p.Ala721Thr)

Gene: RECQL5 (RecQ like helicase 5; minus strand). Cytogenetic location: 17q25.1.
Variant type: single nucleotide variant.
Coding change: c.2161G>A on transcript NM_004259.7 (MANE Select); coding-DNA position 2161, G replaced by A.
Protein change: p.Ala721Thr; replaces alanine 721 with threonine.
Molecular consequence: missense variant.
Genome position (GRCh38, 1-based): chr17:75,629,262, C>T on the plus strand (G>A on the coding strand, the complement: RECQL5 is on the minus strand). VCF-style: chr17-75629262-C-T. GRCh37 (hg19) VCF-style: chr17-73625342-C-T.
Other names: short protein forms A721T.
Identifiers: ClinVar variation 2636469 (VCV002636469.2), dbSNP rs199621884, ClinGen allele CA8767147.